The following is an entry in ClinVar:

NM_177438.3(DICER1):c.4636T>A (p.Tyr1546Asn)

Gene: DICER1 (dicer 1, ribonuclease III; minus strand). Cytogenetic location: 14q32.13.
Variant type: single nucleotide variant.
Coding change: c.4636T>A on transcript NM_177438.3 (MANE Select); coding-DNA position 4636, T replaced by A.
Protein change: p.Tyr1546Asn; replaces tyrosine 1546 with asparagine.
Molecular consequence: missense variant. On other transcripts: non-coding transcript variant (6).
Genome position (GRCh38, 1-based): chr14:95,096,284, A>T on the plus strand (T>A on the coding strand, the complement: DICER1 is on the minus strand). VCF-style: chr14-95096284-A-T. GRCh37 (hg19) VCF-style: chr14-95562621-A-T.
Other names: c.4231T>A, p.Tyr1411Asn (NM_001395688.1, NM_001395687.1, NM_001395689.1 and 2 more transcripts); c.4636T>A, p.Tyr1546Asn (NM_001195573.1, NM_001271282.3, NM_001291628.2 and 12 more transcripts); c.4354T>A, p.Tyr1452Asn (NM_001395686.1); c.4069T>A, p.Tyr1357Asn (NM_001395691.1); c.2953T>A, p.Tyr985Asn (NM_001395697.1); short protein forms Y1411N, Y1452N, Y1357N, Y1546N, Y985N.
Identifiers: ClinVar variation 3839987 (VCV003839987.1).

ClinVar aggregate classification (germline): Uncertain significance (1 of 4 stars; one submission).

Conditions:
Hereditary cancer-predisposing syndrome. Also called: Hereditary neoplastic syndrome; Neoplastic Syndromes, Hereditary; Tumor predisposition; Hereditary Cancer Syndrome. Identifiers: Orphanet 140162, MedGen C0027672, MeSH D009386, MONDO:0015356.

Submission:

Ambry Genetics
Classification: Uncertain significance for Hereditary cancer-predisposing syndrome. Last evaluated: 2024-12-16. Review status: criteria provided, single submitter. Criteria: Ambry Variant Classification Scheme 2023. Collection method: clinical testing. Allele origin: germline.
Comment: The p.Y1546N variant (also known as c.4636T>A), located in coding exon 22 of the DICER1 gene, results from a T to A substitution at nucleotide position 4636. The tyrosine at codon 1546 is replaced by asparagine, an amino acid with dissimilar properties. This amino acid position is conserved. In addition, this alteration is predicted to be deleterious by in silico analysis. Based on the available evidence, the clinical significance of this variant remains unclear.